The following is an entry in ClinVar:

NM_014712.3(SETD1A):c.4647C>T (p.Thr1549=)

Gene: SETD1A (SET domain containing 1A, histone lysine methyltransferase; plus strand). Cytogenetic location: 16p11.2.
Variant type: single nucleotide variant.
Coding change: c.4647C>T on transcript NM_014712.3 (MANE Select); coding-DNA position 4647, C replaced by T.
Protein change: p.Thr1549=; no amino-acid change (threonine 1549 retained).
Molecular consequence: synonymous variant.
Genome position (GRCh38, 1-based): chr16:30,980,804, C>T. VCF-style: chr16-30980804-C-T. GRCh37 (hg19) VCF-style: chr16-30992125-C-T.
Identifiers: ClinVar variation 3046460 (VCV003046460.2), dbSNP rs778204532, ClinGen allele CA8017641.

ClinVar aggregate classification (germline): Likely benign (0 of 4 stars; one submission).

Conditions:
SETD1A-related disorder. Also called: SETD1A-related condition.

Allele frequency attached by ClinVar (database versions not stated): ExAC 0.00001; gnomAD exomes 0.00001.
gnomAD v4.1: 4 of 1,613,158 alleles (0.00025%); highest among the groups gnomAD compares: South Asian, 0.0022%; no homozygotes.

Submission:

PreventionGenetics, part of Exact Sciences
Classification: Likely benign for SETD1A-related condition. Last evaluated: 2019-03-15. Review status: no assertion criteria provided. Collection method: clinical testing. Allele origin: germline.
Comment: This variant is classified as likely benign based on ACMG/AMP sequence variant interpretation guidelines (Richards et al. 2015 PMID: 25741868, with internal and published modifications).